The following is an entry in ClinVar:

NM_002439.5(MSH3):c.1017_1018insC (p.Ile340fs)

Genes: MSH3 (mutS homolog 3; plus strand), LOC126807437 (MED14-independent group 3 enhancer GRCh37_chr5:79968379-79969578; plus strand). Cytogenetic location: 5q14.1.
Variant type: Insertion.
Coding change: c.1017_1018insC on transcript NM_002439.5 (MANE Select); coding-DNA positions 1017 to 1018, C inserted.
Protein change: p.Ile340fs; shifts the reading frame from isoleucine 340.
Molecular consequence: frameshift variant.
Genome position: GRCh38 VCF-style: chr5-80672848-T-TC. GRCh37 (hg19) VCF-style: chr5-79968667-T-TC.
Other names: short protein forms I340fs.
Identifiers: ClinVar variation 2020610 (VCV002020610.6), dbSNP rs2546723000, ClinGen allele CA2580073591.
Genomic context (GRCh38, chr5:80,672,848, plus strand): 5'-AGACAACAGAAGTTCACTCTTTTCCCGGAAATTGACTGCCCTTTATACAAAATCTACACT[T>TC]ATTGGAGAAGATATCCTTTTTGGACGGGAGTTTTTCTCTTAAATGATACAAGGGCTTTGT-3'

ClinVar aggregate classification (germline): Pathogenic/Likely pathogenic. Review status: criteria provided, multiple submitters, no conflicts (2 of 4 stars). 3 submissions from 3 submitters: Pathogenic (2); Likely pathogenic (1). Last evaluated 2025-11-17.

Conditions:
Familial adenomatous polyposis 4 (FAP4). Also called: MSH3-related attenuated familial adenomatous polyposis. Identifiers: Orphanet 480536, MedGen C4310719, MONDO:0044300, OMIM 617100.
Endometrial carcinoma. Also called: Endometrial carcinoma, somatic. Identifiers: MedGen C0476089, MONDO:0002447, OMIM 608089, HP:0012114.

Allele frequency attached by ClinVar (database versions not stated): gnomAD exomes below 0.00001.

Submissions (3):

Labcorp Genetics (formerly Invitae), Labcorp
Classification: Pathogenic. Last evaluated: 2025-11-17. Review status: criteria provided, single submitter. Criteria: Invitae Variant Classification Sherloc (09022015). Collection method: clinical testing. Allele origin: germline.
Comment: This sequence change creates a premature translational stop signal (p.Ile340Hisfs*13) in the MSH3 gene. It is expected to result in an absent or disrupted protein product. Loss-of-function variants in MSH3 are known to be pathogenic (PMID: 27476653, 37402566). This variant is not present in population databases (gnomAD no frequency). This variant has not been reported in the literature in individuals affected with MSH3-related conditions. ClinVar contains an entry for this variant (Variation ID: 2020610). For these reasons, this variant has been classified as Pathogenic.

Myriad Genetics, Inc.
Classification: Pathogenic for Familial adenomatous polyposis 4. Last evaluated: 2023-08-29. Review status: criteria provided, single submitter. Criteria: Myriad Autosomal Dominant, Autosomal Recessive and X-Linked Classification Criteria (2023). Collection method: clinical testing. Allele origin: unknown.
Comment: This variant is considered pathogenic. This variant creates a frameshift predicted to result in premature protein truncation.

Baylor Genetics
Classification: Likely pathogenic for Endometrial carcinoma. Last evaluated: 2021-09-06. Review status: criteria provided, single submitter. Criteria: ACMG Guidelines, 2015. Collection method: clinical testing. Allele origin: unknown.

Literature cited by the submitters: PubMed 27476653 (cited by Labcorp Genetics (formerly Invitae), Labcorp); PubMed 37402566 (cited by Labcorp Genetics (formerly Invitae), Labcorp).